The following is an entry in ClinVar:

ClinVar aggregate classification (germline): Uncertain significance (1 of 4 stars; one submission).

gnomAD v4.1: 1 of 1,613,662 alleles (0.000062%); highest among the groups gnomAD compares: South Asian, 0.0011%; no homozygotes.

Submission:

Dasa
Classification: Uncertain significance. Last evaluated: 2025-09-05. Review status: criteria provided, single submitter. Criteria: DASA Assertion Criteria. Collection method: clinical testing. Allele origin: germline.
Comment: NM_014159.7(SETD2):c.4160A>C (p.Lys1387Thr) is a missense variant that results in the substitution of lysine with threonine. This variant is rare in population databases. The currently available literature and clinical evidence are not sufficient to establish a definitive association between this variant and the reported condition. Therefore, this variant is classified as a variant of uncertain significance.

NM_014159.7(SETD2):c.4160A>C (p.Lys1387Thr)

Gene: SETD2 (SET domain containing 2, histone lysine methyltransferase; minus strand). Cytogenetic location: 3p21.31.
Variant type: single nucleotide variant.
Coding change: c.4160A>C on transcript NM_014159.7 (MANE Select); coding-DNA position 4160, A replaced by C.
Protein change: p.Lys1387Thr; replaces lysine 1387 with threonine.
Molecular consequence: missense variant. On other transcripts: non-coding transcript variant (1).
Genome position (GRCh38, 1-based): chr3:47,120,476, T>G on the plus strand (A>C on the coding strand, the complement: SETD2 is on the minus strand). VCF-style: chr3-47120476-T-G. GRCh37 (hg19) VCF-style: chr3-47161966-T-G.
Other names: c.4028A>C, p.Lys1343Thr (NM_001349370.3); short protein forms K1343T, K1387T.
Identifiers: ClinVar variation 4882185 (VCV004882185.2).